The following is an entry in ClinVar:

ClinVar aggregate classification (germline): Uncertain significance (1 of 4 stars; one submission).

Conditions:
Epidermolysis bullosa simplex 3, localized or generalized intermediate, with BP230 deficiency (EBS3). Also called: Epidermolysis bullosa simplex, autosomal recessive 2; Epidermolysis bullosa simplex due to BP230 deficiency. Identifiers: Orphanet 412181, MedGen C3809470, MONDO:0014180, OMIM 615425.
Hereditary sensory and autonomic neuropathy type 6. Also called: Neuropathy, hereditary sensory and autonomic, type VI; HSAN VI. Identifiers: Orphanet 314381, MedGen C3539003, MONDO:0013839, OMIM 614653.

Allele frequency attached by ClinVar (database versions not stated): gnomAD exomes 0.00002; TOPMed 0.00002; ExAC 0.00003.
gnomAD v4.1: 11 of 1,612,666 alleles (0.00068%); highest among the groups gnomAD compares: Admixed American, 0.0084%; no homozygotes.

Submission:

Labcorp Genetics (formerly Invitae), Labcorp
Classification: Uncertain significance for Epidermolysis bullosa simplex 3, localized or generalized intermediate, with BP230 deficiency; Hereditary sensory and autonomic neuropathy type 6. Last evaluated: 2022-07-17. Review status: criteria provided, single submitter. Criteria: Invitae Variant Classification Sherloc (09022015). Collection method: clinical testing. Allele origin: germline.
Comment: In summary, the available evidence is currently insufficient to determine the role of this variant in disease. Therefore, it has been classified as a Variant of Uncertain Significance. Algorithms developed to predict the effect of missense changes on protein structure and function output the following: SIFT: "Not Available"; PolyPhen-2: "Not Available"; Align-GVGD: "Not Available". The lysine amino acid residue is found in multiple mammalian species, which suggests that this missense change does not adversely affect protein function. This variant has not been reported in the literature in individuals affected with DST-related conditions. This variant is present in population databases (rs752623511, gnomAD 0.01%). This sequence change replaces glutamic acid, which is acidic and polar, with lysine, which is basic and polar, at codon 3985 of the DST protein (p.Glu3985Lys). The DST gene has multiple clinically relevant transcripts. This variant occurs in alternate transcript NM_015548.4, and corresponds to NM_001723.5:c.*114363G>A in the primary transcript.

NM_001374736.1(DST):c.19822G>A (p.Glu6608Lys)

Gene: DST (dystonin; minus strand). Cytogenetic location: 6p12.1.
Variant type: single nucleotide variant.
Coding change: c.19822G>A on transcript NM_001374736.1 (MANE Select); coding-DNA position 19822, G replaced by A.
Protein change: p.Glu6608Lys; replaces glutamic acid 6608 with lysine.
Molecular consequence: missense variant.
Genome position (GRCh38, 1-based): chr6:56,501,154, C>T on the plus strand (G>A on the coding strand, the complement: DST is on the minus strand). VCF-style: chr6-56501154-C-T. GRCh37 (hg19) VCF-style: chr6-56365952-C-T.
Other names: c.13465G>A, p.Glu4489Lys (NM_001144769.5); c.13051G>A, p.Glu4351Lys (NM_001144770.2); c.19822G>A, p.Glu6608Lys (NM_001374722.1); c.18862G>A, p.Glu6288Lys (NM_001374729.1); c.12604G>A, p.Glu4202Lys (NM_001374730.1); c.19849G>A, p.Glu6617Lys (NM_001374734.1); c.11953G>A, p.Glu3985Lys (NM_015548.5); c.12931G>A, p.Glu4311Lys (NM_183380.4); short protein forms E4351K, E6288K, E3985K, E4311K, E4489K, E6617K, E6608K, E4202K.
Identifiers: ClinVar variation 969915 (VCV000969915.10), dbSNP rs752623511, ClinGen allele CA3866909.